The following is an entry in ClinVar:

ClinVar aggregate classification (germline): Pathogenic/Likely pathogenic. Review status: criteria provided, multiple submitters, no conflicts (2 of 4 stars). 2 submissions from 2 submitters: Pathogenic (1); Likely pathogenic (1). Last evaluated 2024-07-15.

Conditions:
MSH6-related disorder. Also called: MSH6-related condition; MSH6-Related disorders.
Lynch syndrome 5 (LYNCH5). Also called: Hereditary non-polyposis colorectal cancer, type 5; Colorectal cancer, hereditary nonpolyposis, type 5. Identifiers: Orphanet 144, MedGen C1833477, MONDO:0013710, OMIM 614350. Disease mechanism: loss of function.

Submissions (2):

Blueprint Genetics
Classification: Likely pathogenic for MSH6-related disorders. Last evaluated: 2024-07-15. Review status: criteria provided, single submitter. Criteria: ACMG Guidelines, 2015. Collection method: clinical testing. Allele origin: germline. Affected: yes. Observed: 2 variant alleles.

Myriad Genetics, Inc.
Classification: Pathogenic for Lynch syndrome 5. Last evaluated: 2023-11-17. Review status: criteria provided, single submitter. Criteria: Myriad Autosomal Dominant, Autosomal Recessive and X-Linked Classification Criteria (2023). Collection method: clinical testing. Allele origin: unknown.
Comment: This variant is considered pathogenic. This variant creates a frameshift predicted to result in premature protein truncation.

NM_000179.3(MSH6):c.3701_3702insT (p.Glu1234fs)

Gene: MSH6 (mutS homolog 6; plus strand). Cytogenetic location: 2p16.3.
Variant type: Insertion.
Coding change: c.3701_3702insT on transcript NM_000179.3 (MANE Select); coding-DNA positions 3701 to 3702, T inserted.
Protein change: p.Glu1234fs; shifts the reading frame from glutamic acid 1234.
Molecular consequence: frameshift variant. On other transcripts: non-coding transcript variant (5).
Genome position: GRCh38 VCF-style: chr2-47806258-A-AT. GRCh37 (hg19) VCF-style: chr2-48033397-A-AT.
Other names: c.3311_3312insT, p.Glu1104fs (NM_001281492.2); c.2795_2796insT, p.Glu932fs (NM_001281493.2, NM_001281494.2, NM_001406811.1 and 6 more transcripts); c.3797_3798insT, p.Glu1266fs (NM_001406795.1, NM_001406802.1); c.3701_3702insT, p.Glu1234fs (NM_001406796.1, NM_001406800.1, NM_001406808.1 and 1 more transcripts); c.3404_3405insT, p.Glu1135fs (NM_001406797.1, NM_001406801.1, NM_001406805.1 and 10 more transcripts); c.3527_3528insT, p.Glu1176fs (NM_001406798.1); c.3176_3177insT, p.Glu1059fs (NM_001406799.1, NM_001406806.1, NM_001406807.1); c.2837_2838insT, p.Glu946fs (NM_001406803.1); and 7 more; short protein forms E1059fs, E1104fs, E1135fs, E1176fs, E1178fs, E1208fs, E1234fs, E1236fs.
Identifiers: ClinVar variation 2674011 (VCV002674011.2), dbSNP rs2530841042, ClinGen allele CA2695200605.
Genomic context (GRCh38, chr2:47,806,258, plus strand): 5'-TAACAGGAAGAGGTACTGCAACATTTGATGGGACGGCAATAGCAAATGCAGTTGTTAAAG[A>AT]ACTTGCTGAGACTATAAAATGTCGTACATTATTTTCAACTCACTACCATTCATTAGTAGA-3'